The following is an entry in ClinVar:

ClinVar aggregate classification (germline): Benign. Review status: criteria provided, multiple submitters, no conflicts (2 of 4 stars). 2 submissions from 2 submitters: Benign (2). Last evaluated 2018-01-12.

Conditions:
VPS13A-related neurodegenerative disease. Also called: Choreoacanthocytosis; Chorea-acanthocytosis; LEVINE-CRITCHLEY SYNDROME; Choreaacanthocytosis; ACANTHOCYTOSIS WITH NEUROLOGIC DISORDER; VPS13A Disease. Identifiers: Orphanet 2388, MedGen C0393576, MONDO:0008695, OMIM 200150.

Allele frequency attached by ClinVar (database versions not stated): 1000 Genomes Project 0.01218; 1000 Genomes Project 30x 0.01218; gnomAD 0.02302 and 0.02380; TOPMed 0.02394; gnomAD exomes 0.02404.
gnomAD v4.1: 3,583 of 152,682 alleles (2.3%); highest among the groups gnomAD compares: Middle Eastern, 4.8%; 59 homozygotes.

Submissions (2):

Illumina Laboratory Services, Illumina
Classification: Benign for VPS13A-related neurodegenerative disease. Last evaluated: 2018-01-12. Review status: criteria provided, single submitter. Criteria: ICSL Variant Classification Criteria 13 December 2019. Collection method: clinical testing. Allele origin: germline.
Comment: This variant was observed in the ICSL laboratory as part of a predisposition screen in an ostensibly healthy population. It had not been previously curated by ICSL or reported in the Human Gene Mutation Database (HGMD: prior to June 1st, 2018), and was therefore a candidate for classification through an automated scoring system. Utilizing variant allele frequency, disease prevalence and penetrance estimates, and inheritance mode, an automated score was calculated to assess if this variant is too frequent to cause the disease. Based on the score and internal cut-off values, a variant classified as benign is not then subjected to further curation. The score for this variant resulted in a classification of benign for this disease.

Breakthrough Genomics
Classification: Benign. Review status: criteria provided, single submitter. Criteria: ACMG Guidelines, 2015. Collection method: not provided. Allele origin: germline. Inheritance: Autosomal recessive inheritance. Affected: yes.

NM_033305.3(VPS13A):c.*942C>T

Gene: VPS13A (vacuolar protein sorting 13 homolog A; plus strand). Cytogenetic location: 9q21.2.
Variant type: single nucleotide variant.
Coding change: c.*942C>T on transcript NM_033305.3 (MANE Select); 942 bases downstream of the stop codon, C replaced by T.
Molecular consequence: 3 prime UTR variant.
Genome position (GRCh38, 1-based): chr9:77,416,948, C>T. VCF-style: chr9-77416948-C-T. GRCh37 (hg19) VCF-style: chr9-80031864-C-T.
Other names: c.*942C>T (NM_001018037.2).
Identifiers: ClinVar variation 367444 (VCV000367444.6), dbSNP rs1048743, ClinGen allele CA10634414.